The following is an entry in ClinVar:

ClinVar aggregate classification (germline): Uncertain significance (1 of 4 stars; one submission).

Conditions:
Charcot-Marie-Tooth disease type 4. Also called: Charcot-Marie-Tooth disease, type IV; Charcot-Marie-Tooth, Type 4. Identifiers: Orphanet 64749, MedGen C4082197, MONDO:0018995.

Allele frequency attached by ClinVar (database versions not stated): TOPMed below 0.00001.
gnomAD v4.1: 5 of 1,614,136 alleles (0.00031%); highest among the groups gnomAD compares: Admixed American, 0.0083%; no homozygotes.

Submission:

Labcorp Genetics (formerly Invitae), Labcorp
Classification: Uncertain significance for Charcot-Marie-Tooth disease type 4. Last evaluated: 2022-10-20. Review status: criteria provided, single submitter. Criteria: Invitae Variant Classification Sherloc (09022015). Collection method: clinical testing. Allele origin: germline.
Comment: In summary, the available evidence is currently insufficient to determine the role of this variant in disease. Therefore, it has been classified as a Variant of Uncertain Significance. Algorithms developed to predict the effect of missense changes on protein structure and function (SIFT, PolyPhen-2, Align-GVGD) all suggest that this variant is likely to be tolerated. This variant has not been reported in the literature in individuals affected with FIG4-related conditions. This variant is present in population databases (rs141052758, gnomAD 0.009%). This sequence change replaces asparagine, which is neutral and polar, with lysine, which is basic and polar, at codon 519 of the FIG4 protein (p.Asn519Lys).

NM_014845.6(FIG4):c.1557T>G (p.Asn519Lys)

Gene: FIG4 (FIG4 phosphoinositide 5-phosphatase; plus strand). Cytogenetic location: 6q21.
Variant type: single nucleotide variant.
Coding change: c.1557T>G on transcript NM_014845.6 (MANE Select); coding-DNA position 1557, T replaced by G.
Protein change: p.Asn519Lys; replaces asparagine 519 with lysine.
Molecular consequence: missense variant.
Genome position (GRCh38, 1-based): chr6:109,765,135, T>G. VCF-style: chr6-109765135-T-G. GRCh37 (hg19) VCF-style: chr6-110086338-T-G.
Other names: short protein forms N519K.
Identifiers: ClinVar variation 2179216 (VCV002179216.4), dbSNP rs141052758, ClinGen allele CA3956118.